The following is an entry in ClinVar:

ClinVar aggregate classification (germline): Uncertain significance (1 of 4 stars; one submission).

Conditions:
Hereditary cancer-predisposing syndrome. Also called: Neoplastic Syndromes, Hereditary; Tumor predisposition; Hereditary Cancer Syndrome; Hereditary neoplastic syndrome. Identifiers: Orphanet 140162, MedGen C0027672, MeSH D009386, MONDO:0015356.

Submission:

Ambry Genetics
Classification: Uncertain significance for Hereditary cancer-predisposing syndrome. Last evaluated: 2025-09-17. Review status: criteria provided, single submitter. Criteria: Ambry Variant Classification Scheme 2023. Collection method: clinical testing. Allele origin: germline.
Comment: The p.L1156S variant (also known as c.3467T>C), located in coding exon 20 of the DICER1 gene, results from a T to C substitution at nucleotide position 3467. The leucine at codon 1156 is replaced by serine, an amino acid with dissimilar properties. This amino acid position is conserved. In addition, this alteration is predicted to be tolerated by in silico analysis. Based on the available evidence, the clinical significance of this variant remains unclear.

NM_177438.3(DICER1):c.3467T>C (p.Leu1156Ser)

Gene: DICER1 (dicer 1, ribonuclease III; minus strand). Cytogenetic location: 14q32.13.
Variant type: single nucleotide variant.
Coding change: c.3467T>C on transcript NM_177438.3 (MANE Select); coding-DNA position 3467, T replaced by C.
Protein change: p.Leu1156Ser; replaces leucine 1156 with serine.
Molecular consequence: missense variant. On other transcripts: non-coding transcript variant (6).
Genome position (GRCh38, 1-based): chr14:95,103,929, A>G on the plus strand (T>C on the coding strand, the complement: DICER1 is on the minus strand). VCF-style: chr14-95103929-A-G. GRCh37 (hg19) VCF-style: chr14-95570266-A-G.
Other names: c.3467T>C, p.Leu1156Ser (NM_001195573.1, NM_001271282.3, NM_001291628.2 and 12 more transcripts); c.3185T>C, p.Leu1062Ser (NM_001395686.1); c.3062T>C, p.Leu1021Ser (NM_001395687.1, NM_001395688.1, NM_001395689.1 and 2 more transcripts); c.2900T>C, p.Leu967Ser (NM_001395691.1); c.1784T>C, p.Leu595Ser (NM_001395697.1); short protein forms L1021S, L1156S, L967S, L1062S, L595S.
Identifiers: ClinVar variation 4636802 (VCV004636802.1).